The following is an entry in ClinVar:

NM_005188.4(CBL):c.2284A>C (p.Thr762Pro)

Gene: CBL (Cbl proto-oncogene; plus strand). Cytogenetic location: 11q23.3.
Variant type: single nucleotide variant.
Coding change: c.2284A>C on transcript NM_005188.4 (MANE Select); coding-DNA position 2284, A replaced by C.
Protein change: p.Thr762Pro; replaces threonine 762 with proline.
Molecular consequence: missense variant.
Genome position (GRCh38, 1-based): chr11:119,298,390, A>C. VCF-style: chr11-119298390-A-C. GRCh37 (hg19) VCF-style: chr11-119169100-A-C.
Other names: short protein forms T762P.
Identifiers: ClinVar variation 3827858 (VCV003827858.1).

ClinVar aggregate classification (germline): Uncertain significance (1 of 4 stars; one submission).

Conditions:
Cardiovascular phenotype. Identifiers: MedGen CN230736.

Submission:

Ambry Genetics
Classification: Uncertain significance for Cardiovascular phenotype. Last evaluated: 2025-02-24. Review status: criteria provided, single submitter. Criteria: Ambry Variant Classification Scheme 2023. Collection method: clinical testing. Allele origin: germline.
Comment: The p.T762P variant (also known as c.2284A>C), located in coding exon 15 of the CBL gene, results from an A to C substitution at nucleotide position 2284. The threonine at codon 762 is replaced by proline, an amino acid with highly similar properties. This amino acid position is conserved. In addition, this alteration is predicted to be tolerated by in silico analysis. Based on the available evidence, the clinical significance of this variant remains unclear.